The following is an entry in ClinVar:

NM_000090.4(COL3A1):c.636A>G (p.Ser212=)

Gene: COL3A1 (collagen type III alpha 1 chain; plus strand). Cytogenetic location: 2q32.2.
Variant type: single nucleotide variant.
Coding change: c.636A>G on transcript NM_000090.4 (MANE Select); coding-DNA position 636, A replaced by G.
Protein change: p.Ser212=; no amino-acid change (serine 212 retained).
Molecular consequence: synonymous variant.
Genome position (GRCh38, 1-based): chr2:188,988,643, A>G. VCF-style: chr2-188988643-A-G. GRCh37 (hg19) VCF-style: chr2-189853369-A-G.
Identifiers: ClinVar variation 3073557 (VCV003073557.1), dbSNP rs2469114626, ClinGen allele CA430308981.

ClinVar aggregate classification (germline): Likely benign (1 of 4 stars; one submission).

Conditions:
Ehlers-Danlos syndrome, type 4 (EDSVASC). Also called: Ehlers-Danlos Syndrome Type IV; Ehlers-Danlos syndrome vascular type; Ehlers Danlos syndrome, ecchymotic type; Ehlers Danlos syndrome, arterial type; Ehlers Danlos syndrome, Sack-Barabas type. Identifiers: Orphanet 286, MedGen C0268338, MONDO:0017314, OMIM 130050.

Submission:

All of Us Research Program, National Institutes of Health
Classification: Likely benign for Ehlers-Danlos syndrome, type 4. Last evaluated: 2023-10-02. Review status: criteria provided, single submitter. Criteria: ACMG Guidelines, 2015. Collection method: clinical testing. Allele origin: germline. Inheritance: Autosomal dominant inheritance. Observed: 1 variant allele, 1 heterozygote.
Comment: This study involves interpretation of variants in research participants for the purpose of population health screening. Participant phenotype was not available at the time of variant classification. Additional details can be found in publication PMID: 35346344, PMCID: PMC8962531